The following is an entry in ClinVar:

ClinVar aggregate classification (germline): Likely benign. Review status: criteria provided, single submitter (1 of 4 stars). 2 submissions from 2 submitters: Likely benign (1). 1 of the submissions does not count toward it. Last evaluated 2023-08-29.

Conditions:
PHGDH-related disorder. Also called: PHGDH-related condition.
PHGDH deficiency. Identifiers: Orphanet 79351, MedGen C1866174, MONDO:0011152, OMIM 601815.

Allele frequency attached by ClinVar (database versions not stated): gnomAD exomes below 0.00001; ExAC 0.00001; gnomAD 0.00001; TOPMed 0.00002.
gnomAD v4.1: 7 of 1,613,108 alleles (0.00043%); highest among the groups gnomAD compares: African/African-American, 0.0027%; no homozygotes.

Submissions (2):

Labcorp Genetics (formerly Invitae), Labcorp
Classification: Likely benign for PHGDH deficiency. Last evaluated: 2023-08-29. Review status: criteria provided, single submitter. Criteria: Invitae Variant Classification Sherloc (09022015). Collection method: clinical testing. Allele origin: germline.

PreventionGenetics, part of Exact Sciences
Classification: Likely benign for PHGDH-related condition. Last evaluated: 2024-09-06. Review status: no assertion criteria provided. Collection method: clinical testing. Allele origin: germline. Not counted in ClinVar's aggregate classification.
Comment: This variant is classified as likely benign based on ACMG/AMP sequence variant interpretation guidelines (Richards et al. 2015 PMID: 25741868, with internal and published modifications).

NM_006623.4(PHGDH):c.357-10A>G

Gene: PHGDH (phosphoglycerate dehydrogenase; plus strand). Cytogenetic location: 1p12.
Variant type: single nucleotide variant.
Coding change: c.357-10A>G on transcript NM_006623.4 (MANE Select); 10 bases into the intron before coding-DNA position 357, A replaced by G.
Molecular consequence: intron variant.
Genome position (GRCh38, 1-based): chr1:119,726,841, A>G. VCF-style: chr1-119726841-A-G. GRCh37 (hg19) VCF-style: chr1-120269464-A-G.
Other names: c.357-10A>G (NM_006623.3).
Identifiers: ClinVar variation 1145231 (VCV001145231.11), dbSNP rs773131387, ClinGen allele CA1037057.